The following is an entry in ClinVar:

NM_001164508.2(NEB):c.23283del (p.Phe7761fs)

Genes: NEB (nebulin; minus strand), RIF1 (replication timing regulatory factor 1; plus strand). Cytogenetic location: 2q23.3.
Variant type: Deletion.
Coding change: c.23283del on transcript NM_001164508.2 (MANE Select); coding-DNA position 23283, one base deleted (C; older notation c.23283delC).
Protein change: p.Phe7761fs; shifts the reading frame from phenylalanine 7761.
Molecular consequence: frameshift variant.
Genome position (GRCh38, 1-based): chr2:151,512,796, G deleted on the plus strand (C on the coding strand, the reverse complement: NEB is on the minus strand). VCF-style (leftmost placement, unchanged base first): chr2-151512795-TG-T. GRCh37 (hg19) VCF-style: chr2-152369309-TG-T.
Other names: c.23283del, p.Phe7761fs (NM_001164507.2); c.23388del, p.Phe7796fs (NM_001271208.2); c.18180del, p.Phe6060fs (NM_004543.5); short protein forms F6060fs, F7761fs, F7796fs.
Identifiers: ClinVar variation 2127527 (VCV002127527.4), dbSNP rs2552073521, ClinGen allele CA2580063918.

ClinVar aggregate classification (germline): Pathogenic (1 of 4 stars; one submission).

Conditions:
Nemaline myopathy 2 (NEM2). Also called: Nemaline myopathy 2, autosomal recessive. Identifiers: MedGen C1850569, MONDO:0009725, OMIM 256030.

Submission:

Labcorp Genetics (formerly Invitae), Labcorp
Classification: Pathogenic for Nemaline myopathy 2. Last evaluated: 2022-04-18. Review status: criteria provided, single submitter. Criteria: Invitae Variant Classification Sherloc (09022015). Collection method: clinical testing. Allele origin: germline.
Comment: For these reasons, this variant has been classified as Pathogenic. This variant has not been reported in the literature in individuals affected with NEB-related conditions. This variant is not present in population databases (gnomAD no frequency). This sequence change creates a premature translational stop signal (p.Phe7796Leufs*83) in the NEB gene. It is expected to result in an absent or disrupted protein product. Loss-of-function variants in NEB are known to be pathogenic (PMID: 25205138).

Literature cited by the submitters: PubMed 25205138.